The following is an entry in ClinVar:

NM_000642.3(AGL):c.2612G>A (p.Ser871Asn)

Gene: AGL (amylo-alpha-1,6-glucosidase and 4-alpha-glucanotransferase; plus strand). Cytogenetic location: 1p21.2.
Variant type: single nucleotide variant.
Coding change: c.2612G>A on transcript NM_000642.3 (MANE Select); coding-DNA position 2612, G replaced by A.
Protein change: p.Ser871Asn; replaces serine 871 with asparagine.
Molecular consequence: missense variant.
Genome position (GRCh38, 1-based): chr1:99,884,634, G>A. VCF-style: chr1-99884634-G-A. GRCh37 (hg19) VCF-style: chr1-100350190-G-A.
Other names: c.2564G>A, p.Ser855Asn (NM_000646.3); c.2612G>A, p.Ser871Asn (NM_001425325.1, NM_001425326.1, NM_000028.3 and 2 more transcripts); c.2411G>A, p.Ser804Asn (NM_001425327.1); c.2408G>A, p.Ser803Asn (NM_001425328.1); c.2234G>A, p.Ser745Asn (NM_001425332.1); short protein forms S855N, S871N, S745N, S803N, S804N.
Identifiers: ClinVar variation 2062584 (VCV002062584.1), dbSNP rs2524677461, ClinGen allele CA341321740.

ClinVar aggregate classification (germline): Uncertain significance (1 of 4 stars; one submission).

Conditions:
Glycogen storage disease type III (GSD3). Also called: Cori disease; FORBES DISEASE. Identifiers: Orphanet 366, MedGen C0017922, MONDO:0009291, OMIM 232400.

Submission:

Labcorp Genetics (formerly Invitae), Labcorp
Classification: Uncertain significance for Glycogen storage disease type III. Last evaluated: 2022-07-12. Review status: criteria provided, single submitter. Criteria: Invitae Variant Classification Sherloc (09022015). Collection method: clinical testing. Allele origin: germline.
Comment: This sequence change replaces serine, which is neutral and polar, with asparagine, which is neutral and polar, at codon 871 of the AGL protein (p.Ser871Asn). This variant is not present in population databases (gnomAD no frequency). This variant has not been reported in the literature in individuals affected with AGL-related conditions. Algorithms developed to predict the effect of missense changes on protein structure and function output the following: SIFT: "Tolerated"; PolyPhen-2: "Benign"; Align-GVGD: "Class C0". The asparagine amino acid residue is found in multiple mammalian species, which suggests that this missense change does not adversely affect protein function. In summary, the available evidence is currently insufficient to determine the role of this variant in disease. Therefore, it has been classified as a Variant of Uncertain Significance.